The following is an entry in ClinVar:

ClinVar aggregate classification (germline): Benign/Likely benign. Review status: criteria provided, multiple submitters, no conflicts (2 of 4 stars). 10 submissions from 10 submitters: Benign (5); Likely benign (4). 1 of the submissions does not count toward it. Last evaluated 2026-01-06.

Conditions:
TSC2-related disorder. Also called: TSC2-related condition; TSC2-Related Disorders.
Tuberous sclerosis 2 (TSC2). Identifiers: Orphanet 805, MedGen C1860707, MONDO:0013199, OMIM 613254.
Isolated focal cortical dysplasia type II (FCORD2). Also called: CORTICAL DYSPLASIA OF TAYLOR; Focal cortical dysplasia type II. Identifiers: Orphanet 268994, MedGen C1846385, MONDO:0011818, OMIM 607341, HP:0032051.
Lymphangiomyomatosis (LAM). Also called: Lymphangioleiomyomatosis; Lymphangioleiomyomatosis, somatic. Identifiers: Orphanet 538, MedGen C0751674, MONDO:0011705, OMIM 606690.
Hereditary cancer-predisposing syndrome. Also called: Neoplastic Syndromes, Hereditary; Tumor predisposition; Hereditary Cancer Syndrome; Hereditary neoplastic syndrome. Identifiers: Orphanet 140162, MedGen C0027672, MeSH D009386, MONDO:0015356.
Tuberous sclerosis syndrome (TSC). Also called: Tuberous Sclerosis Complex; Tuberous sclerosis. Identifiers: Orphanet 805, MedGen C0041341, MONDO:0001734.

Allele frequency attached by ClinVar (database versions not stated): gnomAD exomes 0.00002 and 0.00004; TOPMed 0.00013; gnomAD 0.00014 and 0.00017; ExAC 0.00016; ESP Exome Variant Server 0.00023; 1000 Genomes Project 0.00100; 1000 Genomes Project 30x 0.00109.
gnomAD v4.1: 49 of 1,605,448 alleles (0.0031%); highest among the groups gnomAD compares: African/African-American, 0.054%; no homozygotes.

Submissions (10):

Labcorp Genetics (formerly Invitae), Labcorp
Classification: Benign for Tuberous sclerosis 2. Last evaluated: 2026-01-06. Review status: criteria provided, single submitter. Criteria: Invitae Variant Classification Sherloc (09022015). Collection method: clinical testing. Allele origin: germline.

Myriad Genetics, Inc.
Classification: Likely benign for Tuberous sclerosis 2. Last evaluated: 2024-08-12. Review status: criteria provided, single submitter. Criteria: Myriad Autosomal Dominant, Autosomal Recessive and X-Linked Classification Criteria (2023). Collection method: clinical testing. Allele origin: unknown.
Comment: This variant is considered likely benign. This variant is intronic and is not expected to impact mRNA splicing. This variant has been observed at a population frequency that is significantly greater than expected given the associated disease prevalence and penetrance.

Blueprint Genetics
Classification: Likely benign. Last evaluated: 2023-12-05. Review status: criteria provided, single submitter. Criteria: ACMG Guidelines, 2015. Collection method: clinical testing. Allele origin: germline.

Color Diagnostics, LLC DBA Color Health
Classification: Benign for Tuberous sclerosis syndrome. Last evaluated: 2022-11-29. Review status: criteria provided, single submitter. Criteria: ACMG Guidelines, 2015. Collection method: clinical testing. Allele origin: germline.

Fulgent Genetics
Classification: Likely benign for Lymphangiomyomatosis; Isolated focal cortical dysplasia type II; Tuberous sclerosis 2. Last evaluated: 2022-05-25. Review status: criteria provided, single submitter. Criteria: ACMG Guidelines, 2015. Collection method: clinical testing. Allele origin: unknown.

Genome-Nilou Lab
Classification: Benign for Tuberous sclerosis 2. Last evaluated: 2021-11-07. Review status: criteria provided, single submitter. Criteria: ACMG Guidelines, 2015. Collection method: clinical testing. Allele origin: germline. Affected: no.

Sema4
Classification: Benign for Hereditary cancer-predisposing syndrome. Last evaluated: 2021-08-23. Review status: criteria provided, single submitter. Criteria: Sema4 Curation Guidelines. Collection method: curation. Allele origin: germline.

GeneDx
Classification: Benign. Last evaluated: 2020-12-09. Review status: criteria provided, single submitter. Criteria: GeneDx Variant Classification Process June 2021. Collection method: clinical testing. Allele origin: germline. Affected: yes.

Ambry Genetics
Classification: Likely benign for Hereditary cancer-predisposing syndrome. Last evaluated: 2018-12-04. Review status: criteria provided, single submitter. Criteria: Ambry Variant Classification Scheme 2023. Collection method: clinical testing. Allele origin: germline.

PreventionGenetics, part of Exact Sciences
Classification: Likely benign for TSC2-related condition. Last evaluated: 2022-11-04. Review status: no assertion criteria provided. Collection method: clinical testing. Allele origin: germline. Not counted in ClinVar's aggregate classification.
Comment: This variant is classified as likely benign based on ACMG/AMP sequence variant interpretation guidelines (Richards et al. 2015 PMID: 25741868, with internal and published modifications).

NM_000548.5(TSC2):c.1947-3C>T

Gene: TSC2 (TSC complex subunit 2; plus strand). Cytogenetic location: 16p13.3.
Variant type: single nucleotide variant.
Coding change: c.1947-3C>T on transcript NM_000548.5 (MANE Select); 3 bases into the intron before coding-DNA position 1947, C replaced by T.
Molecular consequence: intron variant.
Genome position (GRCh38, 1-based): chr16:2,071,781, C>T. VCF-style: chr16-2071781-C-T. GRCh37 (hg19) VCF-style: chr16-2121782-C-T.
Other names: c.1947-3C>T (NM_001114382.3, NM_021055.3, NM_001370405.1 and 4 more transcripts); c.1836-3C>T (NM_001318827.2); c.1347-3C>T (NM_001318831.2); c.1800-3C>T (NM_001318829.2); c.1980-3C>T (NM_001318832.2).
Identifiers: ClinVar variation 406118 (VCV000406118.25), dbSNP rs201106259, ClinGen allele CA035091.
Genomic context (GRCh38, chr16:2,071,781, plus strand): 5'-AGCCAAGTCTGTTCCGTTCCTGCTGCGGGGACTTGGCCTCAGCTGCTTCTCTTGCTTCTG[C>T]AGGGAGCCAGAGAGAGGCTCTGAGAAGAAGACCAGCGGCCCCCTTTCTCCTCCCACAGGG-3'